The following is an entry in ClinVar:

ClinVar aggregate classification (germline): Uncertain significance (1 of 4 stars; one submission).

Conditions:
Tuberous sclerosis 1 (TSC1). Identifiers: Orphanet 805, MedGen C1854465, MONDO:0008612, OMIM 191100.

Submission:

Labcorp Genetics (formerly Invitae), Labcorp
Classification: Uncertain significance for Tuberous sclerosis 1. Last evaluated: 2023-08-10. Review status: criteria provided, single submitter. Criteria: Invitae Variant Classification Sherloc (09022015). Collection method: clinical testing. Allele origin: germline.
Comment: ClinVar contains an entry for this variant (Variation ID: 660024). Advanced modeling of protein sequence and biophysical properties (such as structural, functional, and spatial information, amino acid conservation, physicochemical variation, residue mobility, and thermodynamic stability) performed at Invitae indicates that this missense variant is not expected to disrupt TSC1 protein function. In summary, the available evidence is currently insufficient to determine the role of this variant in disease. Therefore, it has been classified as a Variant of Uncertain Significance. This variant has not been reported in the literature in individuals affected with TSC1-related conditions. This variant is not present in population databases (gnomAD no frequency). This sequence change replaces aspartic acid, which is acidic and polar, with asparagine, which is neutral and polar, at codon 1002 of the TSC1 protein (p.Asp1002Asn).

NM_000368.5(TSC1):c.3004G>A (p.Asp1002Asn)

Gene: TSC1 (TSC complex subunit 1; minus strand). Cytogenetic location: 9q34.13.
Variant type: single nucleotide variant.
Coding change: c.3004G>A on transcript NM_000368.5 (MANE Select); coding-DNA position 3004, G replaced by A.
Protein change: p.Asp1002Asn; replaces aspartic acid 1002 with asparagine.
Molecular consequence: missense variant.
Genome position (GRCh38, 1-based): chr9:132,896,726, C>T on the plus strand (G>A on the coding strand, the complement: TSC1 is on the minus strand). VCF-style: chr9-132896726-C-T. GRCh37 (hg19) VCF-style: chr9-135772113-C-T.
Other names: c.3001G>A, p.Asp1001Asn (NM_001162426.2); c.2851G>A, p.Asp951Asn (NM_001162427.2); c.2641G>A, p.Asp881Asn (NM_001362177.2); short protein forms D1001N, D1002N, D881N, D951N.
Identifiers: ClinVar variation 660024 (VCV000660024.8), dbSNP rs1588288289, ClinGen allele CA375367957.